The following is an entry in ClinVar:

ClinVar aggregate classification (germline): Uncertain significance. Review status: criteria provided, multiple submitters, no conflicts (2 of 4 stars). 2 submissions from 2 submitters: Uncertain significance (2). Last evaluated 2025-01-27.

Conditions:
Inborn genetic diseases. Identifiers: MedGen C0950123, MeSH D030342.

Submissions (2):

Labcorp Genetics (formerly Invitae), Labcorp
Classification: Uncertain significance. Last evaluated: 2025-01-27. Review status: criteria provided, single submitter. Criteria: Invitae Variant Classification Sherloc (09022015). Collection method: clinical testing. Allele origin: germline.
Comment: This sequence change replaces isoleucine, which is neutral and non-polar, with valine, which is neutral and non-polar, at codon 358 of the MBD4 protein (p.Ile358Val). This variant is not present in population databases (gnomAD no frequency). This variant has not been reported in the literature in individuals affected with MBD4-related conditions. ClinVar contains an entry for this variant (Variation ID: 3543780). An algorithm developed to predict the effect of missense changes on protein structure and function outputs the following: PolyPhen-2: "Benign". The valine amino acid residue is found in multiple mammalian species, which suggests that this missense change does not adversely affect protein function. In summary, the available evidence is currently insufficient to determine the role of this variant in disease. Therefore, it has been classified as a Variant of Uncertain Significance.

Ambry Genetics
Classification: Uncertain significance for Inborn genetic diseases. Last evaluated: 2024-11-26. Review status: criteria provided, single submitter. Criteria: Ambry Variant Classification Scheme 2023. Collection method: clinical testing. Allele origin: germline.
Comment: The p.I358V variant (also known as c.1072A>G), located in coding exon 3 of the MBD4 gene, results from an A to G substitution at nucleotide position 1072. The isoleucine at codon 358 is replaced by valine, an amino acid with highly similar properties. This amino acid position is conserved. In addition, this alteration is predicted to be tolerated by in silico analysis. Based on the available evidence, the clinical significance of this variant remains unclear.

NM_001276270.2(MBD4):c.1072A>G (p.Ile358Val)

Gene: MBD4 (methyl-CpG binding domain 4, DNA glycosylase; minus strand). Cytogenetic location: 3q21.3.
Variant type: single nucleotide variant.
Coding change: c.1072A>G on transcript NM_001276270.2 (MANE Select); coding-DNA position 1072, A replaced by G.
Protein change: p.Ile358Val; replaces isoleucine 358 with valine.
Molecular consequence: missense variant. On other transcripts: intron variant (1).
Genome position (GRCh38, 1-based): chr3:129,436,572, T>C on the plus strand (A>G on the coding strand, the complement: MBD4 is on the minus strand). VCF-style: chr3-129436572-T-C. GRCh37 (hg19) VCF-style: chr3-129155415-T-C.
Other names: c.1072A>G, p.Ile358Val (NM_001276271.2, NM_001276272.2, NM_003925.3); c.247+1236A>G (NM_001276273.2); short protein forms I358V.
Identifiers: ClinVar variation 3543780 (VCV003543780.3).